The following is an entry in ClinVar:

NM_018965.4(TREM2):c.269del (p.Gly90fs)

Gene: TREM2 (triggering receptor expressed on myeloid cells 2; minus strand). Cytogenetic location: 6p21.1.
Variant type: Deletion.
Coding change: c.269del on transcript NM_018965.4 (MANE Select); coding-DNA position 269, one base deleted (G; older notation c.269delG).
Protein change: p.Gly90fs; shifts the reading frame from glycine 90.
Molecular consequence: frameshift variant.
Genome position (GRCh38, 1-based): chr6:41,161,385, C deleted on the plus strand (G on the coding strand, the reverse complement: TREM2 is on the minus strand); the first of 3 consecutive C bases (chr6:41,161,385-41,161,387); deleting any one gives the same sequence. VCF-style (leftmost placement, unchanged base first): chr6-41161384-AC-A. GRCh37 (hg19) VCF-style: chr6-41129122-AC-A.
Other names: c.269del, p.Gly90fs (NM_001271821.2); short protein forms G90fs.
Identifiers: ClinVar variation 56721 (VCV000056721.2), dbSNP rs386834140, ClinGen allele CA264195.

ClinVar aggregate classification (germline): Likely pathogenic (0 of 4 stars; one submission).

Conditions:
Polycystic lipomembranous osteodysplasia with sclerosing leukoencephalopathy 1 (PLOSL1). Also called: TYROBP-Related Polycystic Lipomembranous Osteodysplasia with Sclerosing Leukoencephalopathy; TREM2-Related Polycystic Lipomembranous Osteodysplasia with Sclerosing Leukoencephalopathy. Identifiers: Orphanet 2770, MedGen C4721893, MONDO:0020749, OMIM 221770.

Submission:

Juha Muilu Group; Institute for Molecular Medicine Finland (FIMM)
Classification: Likely pathogenic for Polycystic lipomembranous osteodysplasia with sclerosing leukoencephalopathy. Review status: no assertion criteria provided. Collection method: not provided. Allele origin: unknown.
Comment: FinDis database variant: This variant was not found or characterized by our laboratory, data were collected from public sources: see reference
ClinVar note: Converted during submission from probable-pathogenic to Likely pathogenic.